The following is an entry in ClinVar:

ClinVar aggregate classification (germline): Uncertain significance (1 of 4 stars; one submission).

gnomAD v4.1: 1 of 1,587,356 alleles (0.000063%); no homozygotes.

Submission:

Labcorp Genetics (formerly Invitae), Labcorp
Classification: Uncertain significance. Last evaluated: 2024-04-29. Review status: criteria provided, single submitter. Criteria: Invitae Variant Classification Sherloc (09022015). Collection method: clinical testing. Allele origin: germline.
Comment: This sequence change replaces threonine, which is neutral and polar, with alanine, which is neutral and non-polar, at codon 1175 of the DENND5A protein (p.Thr1175Ala). This variant is not present in population databases (gnomAD no frequency). This variant has not been reported in the literature in individuals affected with DENND5A-related conditions. ClinVar contains an entry for this variant (Variation ID: 2108747). Advanced modeling of protein sequence and biophysical properties (such as structural, functional, and spatial information, amino acid conservation, physicochemical variation, residue mobility, and thermodynamic stability) performed at Invitae indicates that this missense variant is not expected to disrupt DENND5A protein function with a negative predictive value of 80%. In summary, the available evidence is currently insufficient to determine the role of this variant in disease. Therefore, it has been classified as a Variant of Uncertain Significance.

NM_015213.4(DENND5A):c.3523A>G (p.Thr1175Ala)

Gene: DENND5A (DENN domain containing 5A; minus strand). Cytogenetic location: 11p15.4.
Variant type: single nucleotide variant.
Coding change: c.3523A>G on transcript NM_015213.4 (MANE Select); coding-DNA position 3523, A replaced by G.
Protein change: p.Thr1175Ala; replaces threonine 1175 with alanine.
Molecular consequence: missense variant. On other transcripts: non-coding transcript variant (1).
Genome position (GRCh38, 1-based): chr11:9,142,097, T>C on the plus strand (A>G on the coding strand, the complement: DENND5A is on the minus strand). VCF-style: chr11-9142097-T-C. GRCh37 (hg19) VCF-style: chr11-9163644-T-C.
Other names: c.3523A>G, p.Thr1175Ala (NM_001243254.2, NM_001348748.1); c.3451A>G, p.Thr1151Ala (NM_001348749.2); c.3235A>G, p.Thr1079Ala (NM_001348750.2); short protein forms T1079A, T1175A, T1151A.
Identifiers: ClinVar variation 2108747 (VCV002108747.4), dbSNP rs1847265035, ClinGen allele CA379598221.